The following is an entry in ClinVar:

ClinVar aggregate classification (germline): Likely benign (1 of 4 stars; one submission).

Allele frequency attached by ClinVar (database versions not stated): gnomAD exomes 0.00106 and 0.00289; ExAC 0.00541; ESP Exome Variant Server 0.01091; gnomAD 0.01148 and 0.01213; TOPMed 0.01274; 1000 Genomes Project 0.01558; 1000 Genomes Project 30x 0.01624.
gnomAD v4.1: 3,337 of 1,554,920 alleles (0.21%); highest among the groups gnomAD compares: African/African-American, 3.9%; 82 homozygotes.

Submission:

GeneDx
Classification: Likely benign. Last evaluated: 2021-05-25. Review status: criteria provided, single submitter. Criteria: GeneDx Variant Classification Process June 2021. Collection method: clinical testing. Allele origin: germline. Affected: yes.
Comment: See Variant Classification Assertion Criteria.

NM_006946.4(SPTBN2):c.6232-36A>G

Gene: SPTBN2 (spectrin beta, non-erythrocytic 2; minus strand). Cytogenetic location: 11q13.2.
Variant type: single nucleotide variant.
Coding change: c.6232-36A>G on transcript NM_006946.4 (MANE Select); 36 bases into the intron before coding-DNA position 6232, A replaced by G.
Molecular consequence: intron variant.
Genome position (GRCh38, 1-based): chr11:66,688,347, T>C on the plus strand (A>G on the coding strand, the complement: SPTBN2 is on the minus strand). VCF-style: chr11-66688347-T-C. GRCh37 (hg19) VCF-style: chr11-66455818-T-C.
Identifiers: ClinVar variation 1683825 (VCV001683825.2), dbSNP rs79774424, ClinGen allele CA6128014.